The following is an entry in ClinVar:

ClinVar aggregate classification (germline): Uncertain significance (1 of 4 stars; one submission).

Submission:

GeneDx
Classification: Uncertain significance. Last evaluated: 2025-03-31. Review status: criteria provided, single submitter. Criteria: GeneDx Variant Classification Process June 2021. Collection method: clinical testing. Allele origin: germline. Affected: yes.
Comment: Not observed at significant frequency in large population cohorts (gnomAD); In silico analysis supports that this missense variant has a deleterious effect on protein structure/function; Has not been previously published as pathogenic or benign to our knowledge

NM_001083962.2(TCF4):c.179G>T (p.Gly60Val)

Genes: TCF4 (transcription factor 4; minus strand), TCF4-AS1 (TCF4 antisense RNA 1; plus strand). Cytogenetic location: 18q21.2.
Variant type: single nucleotide variant.
Coding change: c.179G>T on transcript NM_001083962.2 (MANE Select); coding-DNA position 179, G replaced by T.
Protein change: p.Gly60Val; replaces glycine 60 with valine.
Molecular consequence: missense variant.
Genome position (GRCh38, 1-based): chr18:55,464,104, C>A on the plus strand (G>T on the coding strand, the complement: TCF4 is on the minus strand). VCF-style: chr18-55464104-C-A. GRCh37 (hg19) VCF-style: chr18-53131335-C-A.
Other names: c.485G>T, p.Gly162Val (NM_001243226.3); c.107G>T, p.Gly36Val (NM_001243227.2, NM_001306207.1, NM_001348217.1 and 15 more transcripts); c.179G>T, p.Gly60Val (NM_001243228.2, NM_001330604.3, NM_001369567.1 and 8 more transcripts); c.173G>T, p.Gly58Val (NM_001243230.2); c.53G>T, p.Gly18Val (NM_001243231.2, NM_001348211.2); short protein forms G162V, G18V, G36V, G58V, G60V.
Identifiers: ClinVar variation 4278725 (VCV004278725.1).